The following is an entry in ClinVar:

ClinVar aggregate classification (germline): Uncertain significance (1 of 4 stars; one submission).

Conditions:
Developmental and epileptic encephalopathy 104 (DEE104). Identifiers: MedGen C5774183, MONDO:0031021, OMIM 619970.
Neurodevelopmental disorder with epilepsy and brain atrophy (NEDEBA). Identifiers: MedGen C5774184, MONDO:0859265, OMIM 619971.

Submission:

University of Washington Department of Laboratory Medicine, University of Washington
Classification: Uncertain significance for Developmental and epileptic encephalopathy 104; Neurodevelopmental disorder with epilepsy and brain atrophy. Last evaluated: 2023-08-01. Review status: criteria provided, single submitter. Criteria: ACMG Guidelines, 2015. Collection method: clinical testing. Allele origin: unknown. Affected: yes.
Comment: The p.Asp96Val variant in the ATP6V0A1 gene has not been previously reported in association with disease and was absent from large population databases, including the Genome Aggregation Database. The ATP6V0A1 gene has fewer missense variants in the general population than expected. A low rate of missense variation may suggest that this gene is intolerant to missense variation. In silico tools predict that the p.Asp96Val variant is deleterious; however, these predictions have not been tested directly. Using ACMG guidelines, this variant was classified as a variant of uncertain significance (ACMG evidence codes used: PM2_supporting, PP2, PP3).

NM_001130021.3(ATP6V0A1):c.287A>T (p.Asp96Val)

Gene: ATP6V0A1 (ATPase H+ transporting V0 subunit a1; plus strand). Cytogenetic location: 17q21.2.
Variant type: single nucleotide variant.
Coding change: c.287A>T on transcript NM_001130021.3 (MANE Select); coding-DNA position 287, A replaced by T.
Protein change: p.Asp96Val; replaces aspartic acid 96 with valine.
Molecular consequence: missense variant.
Genome position (GRCh38, 1-based): chr17:42,468,100, A>T. VCF-style: chr17-42468100-A-T. GRCh37 (hg19) VCF-style: chr17-40620118-A-T.
Other names: c.287A>T, p.Asp96Val (NM_001130020.3, NM_001378522.1, NM_001378523.1 and 25 more transcripts); c.107A>T, p.Asp36Val (NM_001378543.1, NM_001378549.1); short protein forms D36V, D96V.
Identifiers: ClinVar variation 3342258 (VCV003342258.1).
Genomic context (GRCh38, chr17:42,468,100, plus strand): 5'-ACATTCCGATTATGGACACCGGTGAAAACCCAGAGGTTCCCTTCCCCCGGGACATGATTG[A>T]CTTAGAGGTAAACACTTCTGGGAAAACCAGAAAAGTTTCTTTCTACTTGAACGCAGAAAT-3'
Protein context (NP_001123493.1, residues 86-106): PEVPFPRDMI[Asp96Val]LEANFEKIEN